The following is an entry in ClinVar:

NM_015040.4(PIKFYVE):c.6130del (p.Asp2044fs)

Gene: PIKFYVE (phosphoinositide kinase, FYVE-type zinc finger containing; plus strand). Cytogenetic location: 2q34.
Variant type: Deletion.
Coding change: c.6130del on transcript NM_015040.4 (MANE Select); coding-DNA position 6130, one base deleted (G; older notation c.6130delG).
Protein change: p.Asp2044fs; shifts the reading frame from aspartic acid 2044.
Molecular consequence: frameshift variant.
Genome position (GRCh38, 1-based): chr2:208,354,594, G deleted; the last of 3 consecutive G bases (chr2:208,354,592-208,354,594); deleting any one gives the same sequence. VCF-style (leftmost placement, unchanged base first): chr2-208354591-TG-T. GRCh37 (hg19) VCF-style: chr2-209219315-TG-T.
Other names: short protein forms D2044fs.
Identifiers: ClinVar variation 4879293 (VCV004879293.1).

ClinVar aggregate classification (germline): Likely pathogenic (1 of 4 stars; one submission).

Conditions:
Fleck corneal dystrophy (CFD). Also called: CORNEAL DYSTROPHY, FRANCOIS-NEETENS SPECKLED OR FLECKED. Identifiers: Orphanet 98970, MedGen C1562113, MONDO:0007376, OMIM 121850.

Submission:

Clinical Genomics Laboratory, Washington University in St. Louis
Classification: Likely pathogenic for Fleck corneal dystrophy. Last evaluated: 2026-05-05. Review status: criteria provided, single submitter. Criteria: ACMG Guidelines, 2015. Collection method: clinical testing. Allele origin: germline. Affected: yes.
Comment: The PIKFYVE c.6130del (p.Asp2044Thrfs*8) variant, to our knowledge, has not been reported in the medical literature. This variant is absent from the general population (gnomAD v2.1.1), indicating it is not a common variant. This variant causes a frameshift by deleting one nucleotide, leading to a premature termination codon, which is predicted to lead to nonsense mediated decay. Based on available information and the ACMG/AMP guidelines for variant interpretation (Richards S et al., PMID: 25741868), this variant is classified as likely pathogenic.